The following is an entry in ClinVar:

NM_005271.5(GLUD1):c.493G>T (p.Ala165Ser)

Gene: GLUD1 (glutamate dehydrogenase 1; minus strand). Cytogenetic location: 10q23.2.
Variant type: single nucleotide variant.
Coding change: c.493G>T on transcript NM_005271.5 (MANE Select); coding-DNA position 493, G replaced by T.
Protein change: p.Ala165Ser; replaces alanine 165 with serine.
Molecular consequence: missense variant. On other transcripts: 5 prime UTR variant (5).
Genome position (GRCh38, 1-based): chr10:87,076,609, C>A on the plus strand (G>T on the coding strand, the complement: GLUD1 is on the minus strand). VCF-style: chr10-87076609-C-A. GRCh37 (hg19) VCF-style: chr10-88836366-C-A.
Other names: c.94G>T, p.Ala32Ser (NM_001318900.1); c.-9G>T (NM_001318901.1, NM_001318902.1, NM_001318904.2 and 2 more transcripts); short protein forms A165S, A32S.
Identifiers: ClinVar variation 3764400 (VCV003764400.1).

ClinVar aggregate classification (germline): Uncertain significance (1 of 4 stars; one submission).

Submission:

GeneDx
Classification: Uncertain significance. Last evaluated: 2024-08-20. Review status: criteria provided, single submitter. Criteria: GeneDx Variant Classification Process June 2021. Collection method: clinical testing. Allele origin: germline. Affected: yes.
Comment: Not observed at significant frequency in large population cohorts (gnomAD); In silico analysis indicates that this missense variant does not alter protein structure/function; Has not been previously published as pathogenic or benign to our knowledge